The following is an entry in ClinVar:

NM_033641.4(COL4A6):c.283C>G (p.Pro95Ala)

Gene: COL4A6 (collagen type IV alpha 6 chain; minus strand). Cytogenetic location: Xq22.3.
Variant type: single nucleotide variant.
Coding change: c.283C>G on transcript NM_033641.4 (MANE Select); coding-DNA position 283, C replaced by G.
Protein change: p.Pro95Ala; replaces proline 95 with alanine.
Molecular consequence: missense variant.
Genome position (GRCh38, 1-based): chrX:108,219,739, G>C on the plus strand (C>G on the coding strand, the complement: COL4A6 is on the minus strand). VCF-style: chrX-108219739-G-C. GRCh37 (hg19) VCF-style: chrX-107462969-G-C.
Other names: c.283C>G, p.Pro95Ala (NM_001287758.2, NM_001287759.2, NM_001287760.2); c.286C>G, p.Pro96Ala (NM_001847.4); short protein forms P95A, P96A.
Identifiers: ClinVar variation 3618619 (VCV003618619.2).

ClinVar aggregate classification (germline): Uncertain significance (1 of 4 stars; one submission).

gnomAD v4.1: 2 of 1,204,861 alleles (0.00017%); highest among the groups gnomAD compares: East Asian, 0.0059%; no homozygotes.

Submission:

Labcorp Genetics (formerly Invitae), Labcorp
Classification: Uncertain significance. Last evaluated: 2024-03-07. Review status: criteria provided, single submitter. Criteria: Invitae Variant Classification Sherloc (09022015). Collection method: clinical testing. Allele origin: germline.
Comment: This sequence change replaces proline, which is neutral and non-polar, with alanine, which is neutral and non-polar, at codon 96 of the COL4A6 protein (p.Pro96Ala). This variant is present in population databases (no rsID available, gnomAD 0.008%). This variant has not been reported in the literature in individuals affected with COL4A6-related conditions. Advanced modeling of protein sequence and biophysical properties (such as structural, functional, and spatial information, amino acid conservation, physicochemical variation, residue mobility, and thermodynamic stability) performed at Invitae indicates that this missense variant is not expected to disrupt COL4A6 protein function with a negative predictive value of 80%. In summary, the available evidence is currently insufficient to determine the role of this variant in disease. Therefore, it has been classified as a Variant of Uncertain Significance.